The following is an entry in ClinVar:

NM_001040108.2(MLH3):c.2890G>A (p.Val964Met)

Gene: MLH3 (mutL homolog 3; minus strand). Cytogenetic location: 14q24.3.
Variant type: single nucleotide variant.
Coding change: c.2890G>A on transcript NM_001040108.2 (MANE Select); coding-DNA position 2890, G replaced by A.
Protein change: p.Val964Met; replaces valine 964 with methionine.
Molecular consequence: missense variant.
Genome position (GRCh38, 1-based): chr14:75,046,766, C>T on the plus strand (G>A on the coding strand, the complement: MLH3 is on the minus strand). VCF-style: chr14-75046766-C-T. GRCh37 (hg19) VCF-style: chr14-75513469-C-T.
Other names: c.2890G>A, p.Val964Met (NM_014381.3); short protein forms V964M.
Identifiers: ClinVar variation 1797304 (VCV001797304.5), dbSNP rs1385047353, ClinGen allele CA390437738.

ClinVar aggregate classification (germline): Uncertain significance. Review status: criteria provided, multiple submitters, no conflicts (2 of 4 stars). 2 submissions from 2 submitters: Uncertain significance (2). Last evaluated 2023-12-29.

Conditions:
Colorectal cancer, hereditary nonpolyposis, type 7. Identifiers: Orphanet 144, MedGen C1858380, MONDO:0013725, OMIM 614385.

Allele frequency attached by ClinVar (database versions not stated): gnomAD 0.00001; TOPMed 0.00001.
gnomAD v4.1: 2 of 1,614,060 alleles (0.00012%); highest among the groups gnomAD compares: African/African-American, 0.0027%; no homozygotes.

Submissions (2):

Ambry Genetics
Classification: Uncertain significance. Last evaluated: 2023-12-29. Review status: criteria provided, single submitter. Criteria: Ambry Variant Classification Scheme 2023. Collection method: clinical testing. Allele origin: germline.
Comment: The p.V964M variant (also known as c.2890G>A), located in coding exon 1 of the MLH3 gene, results from a G to A substitution at nucleotide position 2890. The valine at codon 964 is replaced by methionine, an amino acid with highly similar properties. This amino acid position is poorly conserved in available vertebrate species. In addition, this alteration is predicted to be tolerated by in silico analysis. Since supporting evidence is limited at this time, the clinical significance of this alteration remains unclear.

Labcorp Genetics (formerly Invitae), Labcorp
Classification: Uncertain significance for Colorectal cancer, hereditary nonpolyposis, type 7. Last evaluated: 2022-11-25. Review status: criteria provided, single submitter. Criteria: Invitae Variant Classification Sherloc (09022015). Collection method: clinical testing. Allele origin: germline.
Comment: This sequence change replaces valine, which is neutral and non-polar, with methionine, which is neutral and non-polar, at codon 964 of the MLH3 protein (p.Val964Met). This variant is present in population databases (no rsID available, gnomAD 0.01%). This variant has not been reported in the literature in individuals affected with MLH3-related conditions. Algorithms developed to predict the effect of missense changes on protein structure and function output the following: SIFT: "Tolerated"; PolyPhen-2: "Benign"; Align-GVGD: "Class C0". The methionine amino acid residue is found in multiple mammalian species, which suggests that this missense change does not adversely affect protein function. In summary, the available evidence is currently insufficient to determine the role of this variant in disease. Therefore, it has been classified as a Variant of Uncertain Significance.